The following is an entry in ClinVar:

NM_006258.4(PRKG1):c.63G>A (p.Arg21=)

Gene: PRKG1 (protein kinase cGMP-dependent 1; plus strand). Cytogenetic location: 10q11.23.
Variant type: single nucleotide variant.
Coding change: c.63G>A on transcript NM_006258.4 (MANE Select); coding-DNA position 63, G replaced by A.
Protein change: p.Arg21=; no amino-acid change (arginine 21 retained).
Molecular consequence: synonymous variant. On other transcripts: intron variant (1).
Genome position (GRCh38, 1-based): chr10:51,074,653, G>A. VCF-style: chr10-51074653-G-A. GRCh37 (hg19) VCF-style: chr10-52834413-G-A.
Other names: c.267-78511G>A (LRG_1135t2, NM_001098512.3); c.63G>A, p.Arg21= (LRG_1135t1).
Identifiers: ClinVar variation 520132 (VCV000520132.19), dbSNP rs143805509, ClinGen allele CA5503059.

ClinVar aggregate classification (germline): Likely benign. Review status: criteria provided, multiple submitters, no conflicts (2 of 4 stars). 5 submissions from 5 submitters: Likely benign (5). Last evaluated 2026-09-21.

Conditions:
Aortic aneurysm, familial thoracic 8 (AAT8). Identifiers: MedGen C3809513, MONDO:0014187, OMIM 615436.
Familial thoracic aortic aneurysm and aortic dissection (TAAD). Also called: Thoracic aortic aneurysms and dissections. Identifiers: Orphanet 91387, MedGen C4707243, MONDO:0019625.

Allele frequency attached by ClinVar (database versions not stated): gnomAD 0.00007 and 0.00008; TOPMed 0.00012; ExAC 0.00009; gnomAD exomes 0.00011 and 0.00007; ESP Exome Variant Server 0.00008.
gnomAD v4.1: 118 of 1,613,994 alleles (0.0073%); highest among the groups gnomAD compares: Non-Finnish European, 0.0029%; no homozygotes.

Submissions (5):

Molecular Diagnostic Laboratory for Inherited Cardiovascular Disease, Montreal Heart Institute
Classification: Likely benign. Last evaluated: 2026-09-21. Review status: criteria provided, single submitter. Criteria: ACMG Guidelines, 2015. Collection method: clinical testing. Allele origin: germline. Affected: no.
Comment: BP7

Labcorp Genetics (formerly Invitae), Labcorp
Classification: Likely benign for Aortic aneurysm, familial thoracic 8. Last evaluated: 2025-11-25. Review status: criteria provided, single submitter. Criteria: Invitae Variant Classification Sherloc (09022015). Collection method: clinical testing. Allele origin: germline.

Blueprint Genetics
Classification: Likely benign. Last evaluated: 2024-04-12. Review status: criteria provided, single submitter. Criteria: ACMG Guidelines, 2015. Collection method: clinical testing. Allele origin: germline.

GeneDx
Classification: Likely benign. Last evaluated: 2020-01-20. Review status: criteria provided, single submitter. Criteria: GeneDx Variant Classification Process June 2021. Collection method: clinical testing. Allele origin: germline. Affected: yes.

Ambry Genetics
Classification: Likely benign for Familial thoracic aortic aneurysm and aortic dissection. Last evaluated: 2016-04-08. Review status: criteria provided, single submitter. Criteria: Ambry Variant Classification Scheme 2023. Collection method: clinical testing. Allele origin: germline.